The following is an entry in ClinVar:

NM_020831.6(MRTFA):c.1210G>A (p.Gly404Arg)

Gene: MRTFA (myocardin related transcription factor A; minus strand). Cytogenetic location: 22q13.1.
Variant type: single nucleotide variant.
Coding change: c.1210G>A on transcript NM_020831.6 (MANE Select); coding-DNA position 1210, G replaced by A.
Protein change: p.Gly404Arg; replaces glycine 404 with arginine.
Molecular consequence: missense variant.
Genome position (GRCh38, 1-based): chr22:40,420,548, C>T on the plus strand (G>A on the coding strand, the complement: MRTFA is on the minus strand). VCF-style: chr22-40420548-C-T. GRCh37 (hg19) VCF-style: chr22-40816552-C-T.
Other names: c.910G>A (NM_020831.3); c.910G>A, p.Gly304Arg (NM_001282660.2); c.1060G>A, p.Gly354Arg (NM_001282661.3); c.1210G>A, p.Gly404Arg (NM_001282662.3); c.1015G>A, p.Gly339Arg (NM_001318139.2); short protein forms G404R, G354R, G304R, G339R.
Identifiers: ClinVar variation 1959662 (VCV001959662.7), dbSNP rs374883703, ClinGen allele CA324470546.
Genomic context (GRCh38, chr22:40,420,548, plus strand): 5'-CAGGGGCGCCCGAGCTGGAGCTGCTATTGGTAGTGGAGAGGCTGCGTACTGGGGGGGTCC[C>T]GCTGCTTCCCAGGGCCTCGCCTGCTGACCTGGGAAGAAAAGGCAGAAATTAGCCCCATCC-3'
Protein context (NP_065882.2, residues 394-414): KSAGEALGSS[Gly404Arg]TPPVRSLSTT

ClinVar aggregate classification (germline): Uncertain significance. Review status: criteria provided, multiple submitters, no conflicts (2 of 4 stars). 2 submissions from 2 submitters: Uncertain significance (2). Last evaluated 2023-07-25.

Allele frequency attached by ClinVar (database versions not stated): gnomAD 0.00001; gnomAD exomes 0.00001; TOPMed 0.00002; ESP Exome Variant Server 0.00008.
gnomAD v4.1: 10 of 1,613,422 alleles (0.00062%); highest among the groups gnomAD compares: Middle Eastern, 0.017%; no homozygotes.

Submissions (2):

Ambry Genetics
Classification: Uncertain significance. Last evaluated: 2023-07-25. Review status: criteria provided, single submitter. Criteria: Ambry Variant Classification Scheme 2023. Collection method: clinical testing. Allele origin: germline.

Labcorp Genetics (formerly Invitae), Labcorp
Classification: Uncertain significance. Last evaluated: 2022-05-10. Review status: criteria provided, single submitter. Criteria: Invitae Variant Classification Sherloc (09022015). Collection method: clinical testing. Allele origin: germline.
Comment: This sequence change replaces glycine, which is neutral and non-polar, with arginine, which is basic and polar, at codon 304 of the MKL1 protein (p.Gly304Arg). This variant is present in population databases (rs374883703, gnomAD 0.002%). This variant has not been reported in the literature in individuals affected with MKL1-related conditions. Algorithms developed to predict the effect of missense changes on protein structure and function are either unavailable or do not agree on the potential impact of this missense change (SIFT: "Deleterious"; PolyPhen-2: "Probably Damaging"; Align-GVGD: "Class C15"). In summary, the available evidence is currently insufficient to determine the role of this variant in disease. Therefore, it has been classified as a Variant of Uncertain Significance.